The following is an entry in ClinVar:

ClinVar aggregate classification (germline): Uncertain significance. Review status: criteria provided, multiple submitters, no conflicts (2 of 4 stars). 2 submissions from 2 submitters: Uncertain significance (2). Last evaluated 2024-11-25.

Conditions:
Inborn genetic diseases. Identifiers: MedGen C0950123, MeSH D030342.

Allele frequency attached by ClinVar (database versions not stated): gnomAD 0.00003; gnomAD exomes 0.00003; TOPMed 0.00003; ExAC 0.00004.

Submissions (2):

Labcorp Genetics (formerly Invitae), Labcorp
Classification: Uncertain significance. Last evaluated: 2024-11-25. Review status: criteria provided, single submitter. Criteria: Invitae Variant Classification Sherloc (09022015). Collection method: clinical testing. Allele origin: germline.
Comment: This sequence change replaces arginine, which is basic and polar, with tryptophan, which is neutral and slightly polar, at codon 518 of the FNIP1 protein (p.Arg518Trp). This variant is present in population databases (rs765383887, gnomAD 0.006%). This variant has not been reported in the literature in individuals affected with FNIP1-related conditions. ClinVar contains an entry for this variant (Variation ID: 2517671). An algorithm developed to predict the effect of missense changes on protein structure and function (PolyPhen-2) suggests that this variant is likely to be disruptive. In summary, the available evidence is currently insufficient to determine the role of this variant in disease. Therefore, it has been classified as a Variant of Uncertain Significance.

Ambry Genetics
Classification: Uncertain significance for Inborn genetic diseases. Last evaluated: 2023-06-06. Review status: criteria provided, single submitter. Criteria: Ambry Variant Classification Scheme 2023. Collection method: clinical testing. Allele origin: germline.

NM_133372.3(FNIP1):c.1552C>T (p.Arg518Trp)

Gene: FNIP1 (folliculin interacting protein 1; minus strand). Cytogenetic location: 5q31.1.
Variant type: single nucleotide variant.
Coding change: c.1552C>T on transcript NM_133372.3 (MANE Select); coding-DNA position 1552, C replaced by T.
Protein change: p.Arg518Trp; replaces arginine 518 with tryptophan.
Molecular consequence: missense variant.
Genome position (GRCh38, 1-based): chr5:131,672,892, G>A on the plus strand (C>T on the coding strand, the complement: FNIP1 is on the minus strand). VCF-style: chr5-131672892-G-A. GRCh37 (hg19) VCF-style: chr5-131008585-G-A.
Other names: c.1468C>T, p.Arg490Trp (NM_001008738.3); c.1417C>T, p.Arg473Trp (NM_001346114.2); short protein forms R473W, R490W, R518W.
Identifiers: ClinVar variation 2517671 (VCV002517671.3), dbSNP rs765383887, ClinGen allele CA3400638.
Genomic context (GRCh38, chr5:131,672,892, plus strand): 5'-AATAAAGTAGCCTCTGGACCATGTCTTGTCGTTTGCCAACTACCACAGTCCTTGCTAACC[G>A]TACGGGAGAGCCAATAGCGCCATACAAGTCTCCTGTAATGGAAAAAATCAGTTATTGGAC-3'
Protein context (NP_588613.3, residues 508-528): DLYGAIGSPV[Arg518Trp]LARTVVVGKR